The following is an entry in ClinVar:

ClinVar aggregate classification (germline): Conflicting classifications of pathogenicity. Review status: criteria provided, conflicting classifications (1 of 4 stars). 7 submissions from 7 submitters: Uncertain significance (2); Likely benign (5). Last evaluated 2026-01-19.

Conditions:
Smith-Magenis syndrome (SMS). Also called: CHROMOSOME 17p11.2 DELETION SYNDROME. Identifiers: Orphanet 819, MedGen C0795864, MONDO:0008434, OMIM 182290.
Inborn genetic diseases. Identifiers: MedGen C0950123, MeSH D030342.
RAI1-related disorder. Also called: RAI1-related condition.

Allele frequency attached by ClinVar (database versions not stated): ExAC 0.00001; gnomAD exomes 0.00002; gnomAD 0.00024; 1000 Genomes Project 0.00040; TOPMed 0.00048; 1000 Genomes Project 30x 0.00062.
gnomAD v4.1: 50 of 1,611,100 alleles (0.0031%); highest among the groups gnomAD compares: Admixed American, 0.077%; 1 homozygote.

Submissions (7):

Labcorp Genetics (formerly Invitae), Labcorp
Classification: Likely benign. Last evaluated: 2026-01-19. Review status: criteria provided, single submitter. Criteria: Invitae Variant Classification Sherloc (09022015). Collection method: clinical testing. Allele origin: germline.

PreventionGenetics, part of Exact Sciences
Classification: Likely benign for RAI1-related condition. Last evaluated: 2024-11-01. Review status: criteria provided, single submitter. Criteria: ACMG Guidelines, 2015. Collection method: clinical testing. Allele origin: germline.
Comment: This variant is classified as likely benign based on ACMG/AMP sequence variant interpretation guidelines (Richards et al. 2015 PMID: 25741868, with internal and published modifications).

Blueprint Genetics
Classification: Likely benign. Last evaluated: 2022-09-02. Review status: criteria provided, single submitter. Criteria: ACMG Guidelines, 2015. Collection method: clinical testing. Allele origin: germline.

GeneDx
Classification: Likely benign. Last evaluated: 2021-02-02. Review status: criteria provided, single submitter. Criteria: GeneDx Variant Classification Process June 2021. Collection method: clinical testing. Allele origin: germline. Affected: yes.

Fulgent Genetics
Classification: Uncertain significance for Smith-Magenis syndrome. Last evaluated: 2018-10-31. Review status: criteria provided, single submitter. Criteria: ACMG Guidelines, 2015. Collection method: clinical testing. Allele origin: unknown.

Athena Diagnostics
Classification: Uncertain significance. Last evaluated: 2018-04-10. Review status: criteria provided, single submitter. Criteria: Athena Diagnostics Criteria. Collection method: clinical testing. Allele origin: germline.

Ambry Genetics
Classification: Likely benign for Inborn genetic diseases. Last evaluated: 2017-06-08. Review status: criteria provided, single submitter. Criteria: Ambry Variant Classification Scheme 2023. Collection method: clinical testing. Allele origin: germline.

NM_030665.4(RAI1):c.3589G>C (p.Gly1197Arg)

Gene: RAI1 (retinoic acid induced 1; plus strand). Cytogenetic location: 17p11.2.
Variant type: single nucleotide variant.
Coding change: c.3589G>C on transcript NM_030665.4 (MANE Select); coding-DNA position 3589, G replaced by C.
Protein change: p.Gly1197Arg; replaces glycine 1197 with arginine.
Molecular consequence: missense variant.
Genome position (GRCh38, 1-based): chr17:17,796,537, G>C. VCF-style: chr17-17796537-G-C. GRCh37 (hg19) VCF-style: chr17-17699851-G-C.
Other names: short protein forms G1197R.
Identifiers: ClinVar variation 586398 (VCV000586398.22), dbSNP rs200719553, ClinGen allele CA8418758.